The following is an entry in ClinVar:

ClinVar aggregate classification (germline): Uncertain significance (1 of 4 stars; one submission).

Conditions:
Tumor predisposition syndrome 3 (TPDS3). Also called: Melanoma, cutaneous malignant, susceptibility to, 10; Glioma susceptibility 9; LONG TELOMERE SYNDROME, POT1-RELATED; POT1 Tumor Predisposition. Identifiers: Orphanet 618, MedGen C4014476, MONDO:0014368, OMIM 615848.

Submission:

Labcorp Genetics (formerly Invitae), Labcorp
Classification: Uncertain significance for Tumor predisposition syndrome 3. Last evaluated: 2022-09-04. Review status: criteria provided, single submitter. Criteria: Invitae Variant Classification Sherloc (09022015). Collection method: clinical testing. Allele origin: germline.
Comment: In summary, the available evidence is currently insufficient to determine the role of this variant in disease. Therefore, it has been classified as a Variant of Uncertain Significance. Algorithms developed to predict the effect of missense changes on protein structure and function output the following: SIFT: "Tolerated"; PolyPhen-2: "Benign"; Align-GVGD: "Class C0". The valine amino acid residue is found in multiple mammalian species, which suggests that this missense change does not adversely affect protein function. This variant has not been reported in the literature in individuals affected with POT1-related conditions. This variant is not present in population databases (gnomAD no frequency). This sequence change replaces isoleucine, which is neutral and non-polar, with valine, which is neutral and non-polar, at codon 210 of the POT1 protein (p.Ile210Val).

NM_015450.3(POT1):c.628A>G (p.Ile210Val)

Gene: POT1 (protection of telomeres 1; minus strand). Cytogenetic location: 7q31.33.
Variant type: single nucleotide variant.
Coding change: c.628A>G on transcript NM_015450.3 (MANE Select); coding-DNA position 628, A replaced by G.
Protein change: p.Ile210Val; replaces isoleucine 210 with valine.
Molecular consequence: missense variant. On other transcripts: non-coding transcript variant (3).
Genome position (GRCh38, 1-based): chr7:124,859,031, T>C on the plus strand (A>G on the coding strand, the complement: POT1 is on the minus strand). VCF-style: chr7-124859031-T-C. GRCh37 (hg19) VCF-style: chr7-124499085-T-C.
Other names: c.235A>G, p.Ile79Val (NM_001042594.2); short protein forms I210V, I79V.
Identifiers: ClinVar variation 1718811 (VCV001718811.6), dbSNP rs2116525923, ClinGen allele CA369056381.